The following is an entry in ClinVar:

ClinVar aggregate classification (germline): Benign/Likely benign. Review status: criteria provided, multiple submitters, no conflicts (2 of 4 stars). 8 submissions from 8 submitters: Benign (5); Likely benign (1). 2 of the submissions do not count toward it. Last evaluated 2026-02-04.

Allele frequency attached by ClinVar (database versions not stated): TOPMed 0.23812; gnomAD 0.23916 and 0.24307; ESP Exome Variant Server 0.24958; 1000 Genomes Project 0.25919; 1000 Genomes Project 30x 0.26187; gnomAD exomes 0.26568; ExAC 0.26877.
gnomAD v4.1: 428,257 of 1,613,634 alleles (27%); highest among the groups gnomAD compares: South Asian, 31%; 57,709 homozygotes.

Submissions (8):

Labcorp Genetics (formerly Invitae), Labcorp
Classification: Benign. Last evaluated: 2026-02-04. Review status: criteria provided, single submitter. Criteria: Invitae Variant Classification Sherloc (09022015). Collection method: clinical testing. Allele origin: germline.

Blueprint Genetics
Classification: Benign. Last evaluated: 2024-11-26. Review status: criteria provided, single submitter. Criteria: ACMG Guidelines, 2015. Collection method: clinical testing. Allele origin: germline.

Mayo Clinic Laboratories, Mayo Clinic
Classification: Benign. Last evaluated: 2023-08-21. Review status: criteria provided, single submitter. Criteria: ACMG Guidelines, 2015. Collection method: clinical testing. Allele origin: germline. Observed: 44 variant alleles.
Comment: BA1, BS3, BP4

GeneDx
Classification: Benign. Last evaluated: 2021-05-26. Review status: criteria provided, single submitter. Criteria: GeneDx Variant Classification Process June 2021. Collection method: clinical testing. Allele origin: germline. Affected: yes.
Comment: This variant is associated with the following publications: (PMID: 28271036, 23383060, 25625282, 24932808)

Eurofins Ntd Llc (ga)
Classification: Benign. Last evaluated: 2017-12-19. Review status: criteria provided, single submitter. Criteria: EGL Classification Definitions 2015. Collection method: clinical testing. Allele origin: germline. Observed: 1 variant allele, 1 heterozygote.

Breakthrough Genomics
Classification: Likely benign. Review status: criteria provided, single submitter. Criteria: ACMG Guidelines, 2015. Collection method: not provided. Allele origin: germline. Inheritance: Autosomal recessive inheritance. Affected: yes.

Clinical Genetics, Academic Medical Center
Classification: Benign. Review status: no assertion criteria provided. Collection method: clinical testing. Allele origin: germline. Affected: yes. Study: VKGL Data-share Consensus. Not counted in ClinVar's aggregate classification.

Genome Diagnostics Laboratory, University Medical Center Utrecht
Classification: Benign. Review status: no assertion criteria provided. Collection method: clinical testing. Allele origin: germline. Affected: yes. Study: VKGL Data-share Consensus. Not counted in ClinVar's aggregate classification.

Literature cited by the submitters: PubMed 23383060 (cited by Mayo Clinic Laboratories, Mayo Clinic); PubMed 24932808 (cited by Mayo Clinic Laboratories, Mayo Clinic).

NM_000439.5(PCSK1):c.1993C>G (p.Gln665Glu)

Genes: CAST (calpastatin; plus strand), PCSK1 (proprotein convertase subtilisin/kexin type 1; minus strand), LOC101929710 (uncharacterized LOC101929710; plus strand). Cytogenetic location: 5q15.
Variant type: single nucleotide variant.
Coding change: c.1993C>G on transcript NM_000439.5 (MANE Select); coding-DNA position 1993, C replaced by G.
Protein change: p.Gln665Glu; replaces glutamine 665 with glutamic acid.
Molecular consequence: missense variant.
Genome position (GRCh38, 1-based): chr5:96,393,270, G>C on the plus strand (C>G on the coding strand, the complement: PCSK1 is on the minus strand). VCF-style: chr5-96393270-G-C. GRCh37 (hg19) VCF-style: chr5-95728974-G-C.
Other names: c.1852C>G, p.Gln618Glu (NM_001177875.2); short protein forms Q665E, Q618E.
Identifiers: ClinVar variation 354640 (VCV000354640.23), dbSNP rs6234, ClinGen allele CA3350069.